The following is an entry in ClinVar:

ClinVar aggregate classification (germline): Uncertain significance (1 of 4 stars; one submission).

Submission:

Labcorp Genetics (formerly Invitae), Labcorp
Classification: Uncertain significance. Last evaluated: 2021-06-24. Review status: criteria provided, single submitter. Criteria: Invitae Variant Classification Sherloc (09022015). Collection method: clinical testing. Allele origin: germline.
Comment: Advanced modeling of protein sequence and biophysical properties (such as structural, functional, and spatial information, amino acid conservation, physicochemical variation, residue mobility, and thermodynamic stability) performed at Invitae indicates that this missense variant is expected to disrupt CNGA3 protein function. In summary, the available evidence is currently insufficient to determine the role of this variant in disease. Therefore, it has been classified as a Variant of Uncertain Significance. This variant has not been reported in the literature in individuals with CNGA3-related conditions. This sequence change replaces leucine with proline at codon 206 of the CNGA3 protein (p.Leu206Pro). The leucine residue is highly conserved and there is a moderate physicochemical difference between leucine and proline. This variant is not present in population databases (ExAC no frequency).

NM_001298.3(CNGA3):c.617T>C (p.Leu206Pro)

Gene: CNGA3 (cyclic nucleotide gated channel subunit alpha 3; plus strand). Cytogenetic location: 2q11.2.
Variant type: single nucleotide variant.
Coding change: c.617T>C on transcript NM_001298.3 (MANE Select); coding-DNA position 617, T replaced by C.
Protein change: p.Leu206Pro; replaces leucine 206 with proline.
Molecular consequence: missense variant.
Genome position (GRCh38, 1-based): chr2:98,391,914, T>C. VCF-style: chr2-98391914-T-C. GRCh37 (hg19) VCF-style: chr2-99008377-T-C.
Other names: c.563T>C, p.Leu188Pro (NM_001079878.2); short protein forms L188P, L206P.
Identifiers: ClinVar variation 1435330 (VCV001435330.8), dbSNP rs2104235792, ClinGen allele CA347831778.
Genomic context (GRCh38, chr2:98,391,914, plus strand): 5'-GCTTCTTTAGGGCCTGTTTCGATGAGCTGCAGTCCGAGTACCTGATGCTGTGGCTGGTCC[T>C]GGACTACTCGGCAGATGTCCTGTATGTCTTGGATGTGCTTGTACGAGCTCGGACAGGTGA-3'
Protein context (NP_001289.1, residues 196-216): QSEYLMLWLV[Leu206Pro]DYSADVLYVL